The following is an entry in ClinVar:

ClinVar aggregate classification (germline): Uncertain significance (1 of 4 stars; one submission).

Conditions:
Glycogen storage disease IXb (GSD9B). Also called: PHOSPHORYLASE KINASE DEFICIENCY OF LIVER AND MUSCLE, AUTOSOMAL RECESSIVE; GLYCOGENOSIS OF LIVER AND MUSCLE, AUTOSOMAL RECESSIVE; GSD IXb. Identifiers: Orphanet 79240, MedGen C0543514, MONDO:0009868, OMIM 261750.

Submission:

Labcorp Genetics (formerly Invitae), Labcorp
Classification: Uncertain significance for Glycogen storage disease IXb. Last evaluated: 2022-08-30. Review status: criteria provided, single submitter. Criteria: Invitae Variant Classification Sherloc (09022015). Collection method: clinical testing. Allele origin: germline.
Comment: This sequence change replaces leucine, which is neutral and non-polar, with phenylalanine, which is neutral and non-polar, at codon 728 of the PHKB protein (p.Leu728Phe). This variant is not present in population databases (gnomAD no frequency). This variant has not been reported in the literature in individuals affected with PHKB-related conditions. Algorithms developed to predict the effect of missense changes on protein structure and function are either unavailable or do not agree on the potential impact of this missense change (SIFT: "Tolerated"; PolyPhen-2: "Probably Damaging"; Align-GVGD: "Class C0"). Algorithms developed to predict the effect of sequence changes on RNA splicing suggest that this variant may disrupt the consensus splice site. In summary, the available evidence is currently insufficient to determine the role of this variant in disease. Therefore, it has been classified as a Variant of Uncertain Significance.

NM_000293.3(PHKB):c.2182C>T (p.Leu728Phe)

Gene: PHKB (phosphorylase kinase regulatory subunit beta; plus strand). Cytogenetic location: 16q12.1.
Variant type: single nucleotide variant.
Coding change: c.2182C>T on transcript NM_000293.3 (MANE Select); coding-DNA position 2182, C replaced by T.
Protein change: p.Leu728Phe; replaces leucine 728 with phenylalanine.
Molecular consequence: missense variant.
Genome position (GRCh38, 1-based): chr16:47,660,805, C>T. VCF-style: chr16-47660805-C-T. GRCh37 (hg19) VCF-style: chr16-47694716-C-T.
Other names: c.2161C>T, p.Leu721Phe (NM_001031835.3); c.2182C>T, p.Leu728Phe (NM_001363837.1); short protein forms L721F, L728F.
Identifiers: ClinVar variation 1967196 (VCV001967196.2), dbSNP rs56179184, ClinGen allele CA395788989.